The following is an entry in ClinVar:

ClinVar aggregate classification (germline): Uncertain significance. Review status: criteria provided, multiple submitters, no conflicts (2 of 4 stars). 2 submissions from 2 submitters: Uncertain significance (2). Last evaluated 2025-06-24.

Conditions:
Inborn genetic diseases. Identifiers: MedGen C0950123, MeSH D030342.

gnomAD v4.1: 2 of 1,614,176 alleles (0.00012%); highest among the groups gnomAD compares: African/African-American, 0.0027%; no homozygotes.

Submissions (2):

Ambry Genetics
Classification: Uncertain significance for Inborn genetic diseases. Last evaluated: 2025-06-24. Review status: criteria provided, single submitter. Criteria: Ambry Variant Classification Scheme 2023. Collection method: clinical testing. Allele origin: germline.

Labcorp Genetics (formerly Invitae), Labcorp
Classification: Uncertain significance. Last evaluated: 2024-04-17. Review status: criteria provided, single submitter. Criteria: Invitae Variant Classification Sherloc (09022015). Collection method: clinical testing. Allele origin: germline.
Comment: This sequence change replaces proline, which is neutral and non-polar, with leucine, which is neutral and non-polar, at codon 2171 of the PCNT protein (p.Pro2171Leu). This variant is present in population databases (no rsID available, gnomAD 0.007%). This variant has not been reported in the literature in individuals affected with PCNT-related conditions. ClinVar contains an entry for this variant (Variation ID: 1963357). An algorithm developed to predict the effect of missense changes on protein structure and function (PolyPhen-2) suggests that this variant is likely to be tolerated. In summary, the available evidence is currently insufficient to determine the role of this variant in disease. Therefore, it has been classified as a Variant of Uncertain Significance.

NM_006031.6(PCNT):c.6512C>T (p.Pro2171Leu)

Gene: PCNT (pericentrin; plus strand). Cytogenetic location: 21q22.3.
Variant type: single nucleotide variant.
Coding change: c.6512C>T on transcript NM_006031.6 (MANE Select); coding-DNA position 6512, C replaced by T.
Protein change: p.Pro2171Leu; replaces proline 2171 with leucine.
Molecular consequence: missense variant.
Genome position (GRCh38, 1-based): chr21:46,416,430, C>T. VCF-style: chr21-46416430-C-T. GRCh37 (hg19) VCF-style: chr21-47836344-C-T.
Other names: c.6512C>T (NM_006031.5); c.6158C>T, p.Pro2053Leu (NM_001315529.2); short protein forms P2053L, P2171L.
Identifiers: ClinVar variation 1963357 (VCV001963357.6), dbSNP rs1477965015, ClinGen allele CA410563405.